The following is an entry in ClinVar:

NM_000203.5(IDUA):c.142A>G (p.Arg48Gly)

Genes: IDUA (alpha-L-iduronidase; plus strand), SLC26A1 (solute carrier family 26 member 1; minus strand). Cytogenetic location: 4p16.3.
Variant type: single nucleotide variant.
Coding change: c.142A>G on transcript NM_000203.5 (MANE Select); coding-DNA position 142, A replaced by G.
Protein change: p.Arg48Gly; replaces arginine 48 with glycine.
Molecular consequence: missense variant. On other transcripts: non-coding transcript variant (1), intron variant (1).
Genome position (GRCh38, 1-based): chr4:987,226, A>G. VCF-style: chr4-987226-A-G. GRCh37 (hg19) VCF-style: chr4-981014-A-G.
Other names: c.576+3902T>C (NM_134425.4); short protein forms R48G.
Identifiers: ClinVar variation 1480323 (VCV001480323.4), dbSNP rs2153015259, ClinGen allele CA355945635.

ClinVar aggregate classification (germline): Uncertain significance (1 of 4 stars; one submission).

Conditions:
Mucopolysaccharidosis type 1. Also called: IDUA deficiency; MPS I; Mucopolysaccharidosis Type I. Identifiers: Orphanet 579, MedGen C0023786, MONDO:0001586.

Submission:

Labcorp Genetics (formerly Invitae), Labcorp
Classification: Uncertain significance for Mucopolysaccharidosis type 1. Last evaluated: 2021-09-15. Review status: criteria provided, single submitter. Criteria: Invitae Variant Classification Sherloc (09022015). Collection method: clinical testing. Allele origin: germline.
Comment: This sequence change replaces arginine with glycine at codon 48 of the IDUA protein (p.Arg48Gly). The arginine residue is moderately conserved and there is a moderate physicochemical difference between arginine and glycine. The frequency data for this variant in the population databases is considered unreliable, as metrics indicate insufficient coverage at this position in the ExAC database. This variant has not been reported in the literature in individuals affected with IDUA-related conditions. Advanced modeling of protein sequence and biophysical properties (such as structural, functional, and spatial information, amino acid conservation, physicochemical variation, residue mobility, and thermodynamic stability) performed at Invitae indicates that this missense variant is expected to disrupt IDUA protein function. In summary, the available evidence is currently insufficient to determine the role of this variant in disease. Therefore, it has been classified as a Variant of Uncertain Significance.